The following is an entry in ClinVar:

ClinVar aggregate classification (germline): Pathogenic (1 of 4 stars; one submission).

Submission:

Labcorp Genetics (formerly Invitae), Labcorp
Classification: Pathogenic. Last evaluated: 2024-04-04. Review status: criteria provided, single submitter. Criteria: Invitae Variant Classification Sherloc (09022015). Collection method: clinical testing. Allele origin: germline.
Comment: This sequence change creates a premature translational stop signal (p.Thr234Serfs*4) in the KCNJ1 gene. While this is not anticipated to result in nonsense mediated decay, it is expected to disrupt the last 158 amino acid(s) of the KCNJ1 protein. This variant is not present in population databases (gnomAD no frequency). This variant has not been reported in the literature in individuals affected with KCNJ1-related conditions. This variant disrupts a region of the KCNJ1 protein in which other variant(s) (p.His354Serfs*8) have been determined to be pathogenic (PMID: 11318951). This suggests that this is a clinically significant region of the protein, and that variants that disrupt it are likely to be disease-causing. For these reasons, this variant has been classified as Pathogenic.

Literature cited by the submitters: PubMed 11318951.

NM_153766.3(KCNJ1):c.644_645del (p.Thr215fs)

Gene: KCNJ1 (potassium inwardly rectifying channel subfamily J member 1; minus strand). Cytogenetic location: 11q24.3.
Variant type: Microsatellite.
Coding change: c.644_645del on transcript NM_153766.3 (MANE Select); coding-DNA positions 644 to 645, 2 bases deleted (CA; older notation c.644_645delCA).
Protein change: p.Thr215fs; shifts the reading frame from threonine 215.
Molecular consequence: frameshift variant.
Genome position (GRCh38, 1-based): chr11:128,839,599-128,839,600, TG deleted on the plus strand (CA on the coding strand, the reverse complement: KCNJ1 is on the minus strand); deleting any 2 consecutive bases within chr11:128,839,599-128,839,602 gives the same sequence; the c. name uses the placement nearest the transcript's 3' end. VCF-style (leftmost placement, unchanged base first): chr11-128839598-CTG-C. GRCh37 (hg19) VCF-style: chr11-128709493-CTG-C.
Other names: c.701_702del, p.Thr234fs (NM_000220.6); c.644_645del, p.Thr215fs (NM_153764.3, NM_153767.4); c.695_696del, p.Thr232fs (NM_153765.3); short protein forms T215fs, T234fs, T232fs.
Identifiers: ClinVar variation 3719570 (VCV003719570.2).
Genomic context (GRCh38, chr11:128,839,598, plus strand): 5'-CGTCAACTACAAAGTTGATATTGATCTGGTCCAAAATAATGGTCTCTCCTTCAGGAGTGA[CTG>C]TGGTCTTCAGAAGCTTTCCATAAATGTGACTGCCAATAAGAAGGCTCTTCCTGAGATTAG-3'